The following is an entry in ClinVar:

ClinVar aggregate classification (germline): Pathogenic (1 of 4 stars; one submission).

Conditions:
Arrhythmogenic cardiomyopathy with wooly hair and keratoderma. Also called: PALMOPLANTAR KERATODERMA WITH LEFT VENTRICULAR CARDIOMYOPATHY AND WOOLLY HAIR; Carvajal syndrome; Dilated cardiomyopathy with woolly hair and keratoderma; Arrhythmogenic cardiomyopathy with woolly hair and keratoderma. Identifiers: Orphanet 65282, MedGen C1854063, MONDO:0011581, OMIM 605676.

Submission:

All of Us Research Program, National Institutes of Health
Classification: Pathogenic for Arrhythmogenic cardiomyopathy with wooly hair and keratoderma. Last evaluated: 2023-04-28. Review status: criteria provided, single submitter. Criteria: ACMG Guidelines, 2015. Collection method: clinical testing. Allele origin: germline. Inheritance: Autosomal dominant inheritance. Observed: 1 variant allele, 1 heterozygote.
Comment: This variant deletes 1 nucleotide in exon 1 of the DSP gene, creating a frameshift and premature translation stop signal. This variant is expected to result in an absent or non-functional protein product. To our knowledge, this variant has not been reported in individuals affected with DSP-related disorders in the literature. This variant has not been identified in the general population by the Genome Aggregation Database (gnomAD). Loss of DSP function is a known mechanism of disease. Based on the available evidence, this variant is classified as Pathogenic.

This study involves interpretation of variants in research participants for the purpose of population health screening. Participant phenotype was not available at the time of variant classification. Additional details can be found in publication PMID: 35346344, PMCID: PMC8962531

NM_004415.4(DSP):c.51del (p.Met17fs)

Genes: DSP (desmoplakin; plus strand), DSP-AS1 (DSP antisense RNA 1; minus strand). Cytogenetic location: 6p24.3.
Variant type: Deletion.
Coding change: c.51del on transcript NM_004415.4 (MANE Select); coding-DNA position 51, one base deleted (G; older notation c.51delG).
Protein change: p.Met17fs; shifts the reading frame from methionine 17.
Molecular consequence: frameshift variant.
Genome position (GRCh38, 1-based): chr6:7,541,966, G deleted. VCF-style (leftmost placement, unchanged base first): chr6-7541965-TG-T. GRCh37 (hg19) VCF-style: chr6-7542198-TG-T.
Other names: c.51del, p.Met17fs (NM_001008844.3, NM_001319034.2, NM_001406591.1); short protein forms M17fs.
Identifiers: ClinVar variation 3070521 (VCV003070521.1), dbSNP rs2533800687, ClinGen allele CA2825001478.